The following is an entry in ClinVar:

ClinVar aggregate classification (germline): Uncertain significance (1 of 4 stars; one submission).

Conditions:
Perlman syndrome (PRLMNS). Identifiers: Orphanet 2849, MedGen C0796113, MONDO:0009965, OMIM 267000.

gnomAD v4.1: 1 of 1,606,266 alleles (0.000062%); no homozygotes.

Submission:

Labcorp Genetics (formerly Invitae), Labcorp
Classification: Uncertain significance for Perlman syndrome. Last evaluated: 2022-12-25. Review status: criteria provided, single submitter. Criteria: Invitae Variant Classification Sherloc (09022015). Collection method: clinical testing. Allele origin: germline.
Comment: This variant is not present in population databases (gnomAD no frequency). This sequence change replaces valine, which is neutral and non-polar, with isoleucine, which is neutral and non-polar, at codon 124 of the DIS3L2 protein (p.Val124Ile). This variant has not been reported in the literature in individuals affected with DIS3L2-related conditions. In summary, the available evidence is currently insufficient to determine the role of this variant in disease. Therefore, it has been classified as a Variant of Uncertain Significance. Algorithms developed to predict the effect of sequence changes on RNA splicing suggest that this variant may disrupt the consensus splice site. Algorithms developed to predict the effect of missense changes on protein structure and function output the following: SIFT: "Tolerated"; PolyPhen-2: "Benign"; Align-GVGD: "Class C0". The isoleucine amino acid residue is found in multiple mammalian species, which suggests that this missense change does not adversely affect protein function. ClinVar contains an entry for this variant (Variation ID: 1384025).

NM_152383.5(DIS3L2):c.370G>A (p.Val124Ile)

Gene: DIS3L2 (DIS3 like 3'-5' exoribonuclease 2; plus strand). Cytogenetic location: 2q37.1.
Variant type: single nucleotide variant.
Coding change: c.370G>A on transcript NM_152383.5 (MANE Select); coding-DNA position 370, G replaced by A.
Protein change: p.Val124Ile; replaces valine 124 with isoleucine.
Molecular consequence: missense variant. On other transcripts: non-coding transcript variant (2).
Genome position (GRCh38, 1-based): chr2:232,087,490, G>A. VCF-style: chr2-232087490-G-A. GRCh37 (hg19) VCF-style: chr2-232952200-G-A.
Other names: c.370G>A, p.Val124Ile (NM_001257281.2, NM_001257282.2); short protein forms V124I.
Identifiers: ClinVar variation 1384025 (VCV001384025.8), dbSNP rs1203448037, ClinGen allele CA351154818.